The following is an entry in ClinVar:

NM_001110556.2(FLNA):c.7088C>T (p.Ala2363Val)

Gene: FLNA (filamin A; minus strand). Cytogenetic location: Xq28.
Variant type: single nucleotide variant.
Coding change: c.7088C>T on transcript NM_001110556.2 (MANE Select); coding-DNA position 7088, C replaced by T.
Protein change: p.Ala2363Val; replaces alanine 2363 with valine.
Molecular consequence: missense variant.
Genome position (GRCh38, 1-based): chrX:154,350,977, G>A on the plus strand (C>T on the coding strand, the complement: FLNA is on the minus strand). VCF-style: chrX-154350977-G-A. GRCh37 (hg19) VCF-style: chrX-153579345-G-A.
Other names: p.Ala2355Val; c.7064C>T, p.Ala2355Val (NM_001456.4); c.7064C>T (NM_001456.3); short protein forms A2355V, A2363V.
Identifiers: ClinVar variation 2924198 (VCV002924198.6), dbSNP rs2522717096, ClinGen allele CA415185077.

ClinVar aggregate classification (germline): Uncertain significance. Review status: criteria provided, multiple submitters, no conflicts (2 of 4 stars). 2 submissions from 2 submitters: Uncertain significance (2). Last evaluated 2025-11-15.

Conditions:
Periventricular nodular heterotopia (PVNH). Identifiers: Orphanet 98892, MedGen C1868720, MeSH D054091, MONDO:0020341, HP:0032388.
Melnick-Needles syndrome (MNS). Also called: OSTEODYSPLASTY OF MELNICK AND NEEDLES; MELNICK-NEEDLES OSTEODYSPLASTY; Melnick-Needles Syndrome (FLNA-MNS). Identifiers: Orphanet 2484, MedGen C0025237, MONDO:0010650, OMIM 309350.
Frontometaphyseal dysplasia (FMD1). Identifiers: Orphanet 1826, MedGen C0265293, MONDO:0015942.
Heterotopia, periventricular, X-linked dominant (PVNH1). Also called: PERIVENTRICULAR NODULAR HETEROTOPIA 1; X-linked periventricular heterotopia; PERIVENTRICULAR NODULAR HETEROTOPIA 4; HETEROTOPIA, PERIVENTRICULAR, 1. Identifiers: Orphanet 2149, Orphanet 82004, MedGen C1848213, MONDO:0010233, OMIM 300049.
Oto-palato-digital syndrome, type II (OPD2). Also called: OPD II SYNDROME; FACIOPALATOOSSEOUS SYNDROME; Otopalatodigital Syndrome, Type II; Otopalatodigital Syndrome Type 2 (FLNA-OPD2). Identifiers: Orphanet 669, Orphanet 90652, MedGen C1844696, MONDO:0010571, OMIM 304120.

Allele frequency attached by ClinVar (database versions not stated): gnomAD exomes below 0.00001.
gnomAD v4.1: 4 of 1,209,998 alleles (0.00033%); highest among the groups gnomAD compares: East Asian, 0.0059%; no homozygotes.

Submissions (3):

Labcorp Genetics (formerly Invitae), Labcorp
Classification: Uncertain significance for Oto-palato-digital syndrome, type II; Heterotopia, periventricular, X-linked dominant; Frontometaphyseal dysplasia; Melnick-Needles syndrome. Last evaluated: 2025-11-15. Review status: criteria provided, single submitter. Criteria: Invitae Variant Classification Sherloc (09022015). Collection method: clinical testing. Allele origin: germline.
Comment: This sequence change replaces alanine, which is neutral and non-polar, with valine, which is neutral and non-polar, at codon 2355 of the FLNA protein (p.Ala2355Val). This variant is not present in population databases (gnomAD no frequency). This variant has not been reported in the literature in individuals affected with FLNA-related conditions. ClinVar contains an entry for this variant (Variation ID: 2924198). Invitae Evidence Modeling of protein sequence and biophysical properties (such as structural, functional, and spatial information, amino acid conservation, physicochemical variation, residue mobility, and thermodynamic stability) indicates that this missense variant is not expected to disrupt FLNA protein function with a negative predictive value of 95%. In summary, the available evidence is currently insufficient to determine the role of this variant in disease. Therefore, it has been classified as a Variant of Uncertain Significance.

Mayo Clinic Laboratories, Mayo Clinic
Classification: Uncertain significance. Last evaluated: 2024-09-16. Review status: criteria provided, single submitter. Criteria: ACMG Guidelines, 2015. Collection method: clinical testing. Allele origin: germline. Observed: 1 variant allele.
Comment: BP4, PM2

Dr. Peter K. Rogan Lab, Western University
No classification provided (evidence only). Condition: Thyroid cancer, nonmedullary, 1. Review status: no classification provided. Collection method: in vitro. Allele origin: not applicable. Functional consequence: retained intron. Not counted in ClinVar's aggregate classification.